The following is an entry in ClinVar:

NM_020738.4(KIDINS220):c.2621A>G (p.Gln874Arg)

Gene: KIDINS220 (kinase D interacting substrate 220; minus strand). Cytogenetic location: 2p25.1.
Variant type: single nucleotide variant.
Coding change: c.2621A>G on transcript NM_020738.4 (MANE Select); coding-DNA position 2621, A replaced by G.
Protein change: p.Gln874Arg; replaces glutamine 874 with arginine.
Molecular consequence: missense variant. On other transcripts: non-coding transcript variant (2).
Genome position (GRCh38, 1-based): chr2:8,778,721, T>C on the plus strand (A>G on the coding strand, the complement: KIDINS220 is on the minus strand). VCF-style: chr2-8778721-T-C. GRCh37 (hg19) VCF-style: chr2-8918851-T-C.
Other names: c.2624A>G, p.Gln875Arg (NM_001348729.2, NM_001348731.2, NM_001348734.2 and 3 more transcripts); c.2621A>G, p.Gln874Arg (NM_001348732.2, NM_001348735.2, NM_001348738.2 and 3 more transcripts); c.2495A>G, p.Gln832Arg (NM_001348736.2); short protein forms Q832R, Q874R, Q875R.
Identifiers: ClinVar variation 2074588 (VCV002074588.4), dbSNP rs1288657887, ClinGen allele CA345759779.

ClinVar aggregate classification (germline): Uncertain significance (1 of 4 stars; one submission).

Allele frequency attached by ClinVar (database versions not stated): TOPMed below 0.00001; gnomAD exomes below 0.00001.
gnomAD v4.1: 1 of 1,613,674 alleles (0.000062%); highest among the groups gnomAD compares: Admixed American, 0.0017%; no homozygotes.

Submission:

Labcorp Genetics (formerly Invitae), Labcorp
Classification: Uncertain significance. Last evaluated: 2022-02-21. Review status: criteria provided, single submitter. Criteria: Invitae Variant Classification Sherloc (09022015). Collection method: clinical testing. Allele origin: germline.
Comment: Algorithms developed to predict the effect of sequence changes on RNA splicing suggest that this variant may disrupt the consensus splice site. In summary, the available evidence is currently insufficient to determine the role of this variant in disease. Therefore, it has been classified as a Variant of Uncertain Significance. Algorithms developed to predict the effect of missense changes on protein structure and function (SIFT, PolyPhen-2, Align-GVGD) all suggest that this variant is likely to be tolerated. This variant has not been reported in the literature in individuals affected with KIDINS220-related conditions. This variant is present in population databases (no rsID available, gnomAD 0.003%). This sequence change replaces glutamine, which is neutral and polar, with arginine, which is basic and polar, at codon 874 of the KIDINS220 protein (p.Gln874Arg).